The following is an entry in ClinVar:

NM_006269.2(RP1):c.1516A>G (p.Ser506Gly)

Gene: RP1 (RP1 axonemal microtubule associated; plus strand). Cytogenetic location: 8q12.1.
Variant type: single nucleotide variant.
Coding change: c.1516A>G on transcript NM_006269.2 (MANE Select); coding-DNA position 1516, A replaced by G.
Protein change: p.Ser506Gly; replaces serine 506 with glycine.
Molecular consequence: missense variant. On other transcripts: intron variant (1).
Genome position (GRCh38, 1-based): chr8:54,625,398, A>G. VCF-style: chr8-54625398-A-G. GRCh37 (hg19) VCF-style: chr8-55537958-A-G.
Other names: c.1516A>G (NM_006269.1); c.787+3110A>G (NM_001375654.1); short protein forms S506G.
Identifiers: ClinVar variation 1429881 (VCV001429881.9), dbSNP rs546625124, ClinGen allele CA4751394.

ClinVar aggregate classification (germline): Uncertain significance. Review status: criteria provided, multiple submitters, no conflicts (2 of 4 stars). 3 submissions from 3 submitters: Uncertain significance (3). Last evaluated 2025-11-19.

Conditions:
Inborn genetic diseases. Identifiers: MedGen C0950123, MeSH D030342.
Retinitis pigmentosa 1 (RP1). Identifiers: Orphanet 791, MedGen C0220701, MONDO:0008377, OMIM 180100.

Allele frequency attached by ClinVar (database versions not stated): gnomAD 0.00001; gnomAD exomes 0.00001 and 0.00002; ExAC 0.00003; 1000 Genomes Project 30x 0.00016; 1000 Genomes Project 0.00020.
gnomAD v4.1: 18 of 1,614,064 alleles (0.0011%); highest among the groups gnomAD compares: South Asian, 0.016%; no homozygotes.

Submissions (3):

Ambry Genetics
Classification: Uncertain significance for Inborn genetic diseases. Last evaluated: 2025-11-19. Review status: criteria provided, single submitter. Criteria: Ambry Variant Classification Scheme 2023. Collection method: clinical testing. Allele origin: germline.

Revvity Omics, Revvity
Classification: Uncertain significance for Retinitis pigmentosa 1. Last evaluated: 2023-02-22. Review status: criteria provided, single submitter. Criteria: ACMG Guidelines, 2015. Collection method: clinical testing. Allele origin: germline.

Labcorp Genetics (formerly Invitae), Labcorp
Classification: Uncertain significance. Last evaluated: 2021-10-29. Review status: criteria provided, single submitter. Criteria: Invitae Variant Classification Sherloc (09022015). Collection method: clinical testing. Allele origin: germline.
Comment: In summary, the available evidence is currently insufficient to determine the role of this variant in disease. Therefore, it has been classified as a Variant of Uncertain Significance. Algorithms developed to predict the effect of missense changes on protein structure and function (SIFT, PolyPhen-2, Align-GVGD) all suggest that this variant is likely to be disruptive. This variant has not been reported in the literature in individuals affected with RP1-related conditions. This variant is present in population databases (rs546625124, gnomAD 0.02%). This sequence change replaces serine, which is neutral and polar, with glycine, which is neutral and non-polar, at codon 506 of the RP1 protein (p.Ser506Gly).